The following is an entry in ClinVar:

NM_000093.5(COL5A1):c.2134-238A>G

Genes: COL5A1 (collagen type V alpha 1 chain; plus strand), LOC130002964 (ATAC-STARR-seq lymphoblastoid active region 29286; plus strand). Cytogenetic location: 9q34.3.
Variant type: single nucleotide variant.
Coding change: c.2134-238A>G on transcript NM_000093.5 (MANE Select); 238 bases into the intron before coding-DNA position 2134, A replaced by G.
Molecular consequence: intron variant.
Genome position (GRCh38, 1-based): chr9:134,766,762, A>G. VCF-style: chr9-134766762-A-G. GRCh37 (hg19) VCF-style: chr9-137658608-A-G.
Other names: c.2134-238A>G (NM_001278074.1).
Identifiers: ClinVar variation 678461 (VCV000678461.1), dbSNP rs4842157, ClinGen allele CA13060262.

ClinVar aggregate classification (germline): Benign (1 of 4 stars; one submission).

Allele frequency attached by ClinVar (database versions not stated): gnomAD 0.37194 and 0.37807; TOPMed 0.38496; 1000 Genomes Project 30x 0.44691; 1000 Genomes Project 0.44768.
gnomAD v4.1: 57,256 of 151,982 alleles (38%); highest among the groups gnomAD compares: East Asian, 67%; 11,231 homozygotes.

Submission:

GeneDx
Classification: Benign. Last evaluated: 2018-06-14. Review status: criteria provided, single submitter. Criteria: GeneDx Variant Classification (06012015). Collection method: clinical testing. Allele origin: germline. Affected: yes.
Comment: This variant is considered likely benign or benign based on one or more of the following criteria: it is a conservative change, it occurs at a poorly conserved position in the protein, it is predicted to be benign by multiple in silico algorithms, and/or has population frequency not consistent with disease.